The following is an entry in ClinVar:

ClinVar aggregate classification (germline): Conflicting classifications of pathogenicity. Review status: criteria provided, conflicting classifications (1 of 4 stars). 2 submissions from 2 submitters: Uncertain significance (1); Likely benign (1). Last evaluated 2026-01-17.

Conditions:
Primary ciliary dyskinesia. Also called: Ciliary dyskinesia. Identifiers: Orphanet 244, MedGen C0008780, MONDO:0016575, HP:0012265.

gnomAD v4.1: 31 of 1,548,646 alleles (0.002%); highest among the groups gnomAD compares: Admixed American, 0.0059%; no homozygotes.

Submissions (2):

Ambry Genetics
Classification: Uncertain significance for Primary ciliary dyskinesia. Last evaluated: 2026-01-17. Review status: criteria provided, single submitter. Criteria: Ambry Variant Classification Scheme 2023. Collection method: clinical testing. Allele origin: germline.
Comment: The p.G38D variant (also known as c.113G>A), located in coding exon 1 of the DNAAF1 gene, results from a G to A substitution at nucleotide position 113. The glycine at codon 38 is replaced by aspartic acid, an amino acid with similar properties. This amino acid position is conserved. In addition, this alteration is predicted to be tolerated by in silico analysis. Based on the available evidence, the clinical significance of this variant remains unclear.

Blueprint Genetics
Classification: Likely benign. Last evaluated: 2024-09-06. Review status: criteria provided, single submitter. Criteria: ACMG Guidelines, 2015. Collection method: clinical testing. Allele origin: germline.

NM_178452.6(DNAAF1):c.113G>A (p.Gly38Asp)

Gene: DNAAF1 (dynein axonemal assembly factor 1; plus strand). Cytogenetic location: 16q24.1.
Variant type: single nucleotide variant.
Coding change: c.113G>A on transcript NM_178452.6 (MANE Select); coding-DNA position 113, G replaced by A.
Protein change: p.Gly38Asp; replaces glycine 38 with aspartic acid.
Molecular consequence: missense variant.
Genome position (GRCh38, 1-based): chr16:84,145,553, G>A. VCF-style: chr16-84145553-G-A. GRCh37 (hg19) VCF-style: chr16-84179158-G-A.
Other names: short protein forms G38D.
Identifiers: ClinVar variation 4824133 (VCV004824133.2).
Genomic context (GRCh38, chr16:84,145,553, plus strand): 5'-GCGCGCAGGAGCCCGGCGTGGAGGAGTCTGCGGGTGACCACGGGAGCGCAGGCCGAGGGG[G>A]CTGCAAGGAAGGTGCCGACTGCCCCCCAGGGAGGGCGGTGGGCGAGGGGCAGACACGGCT-3'
Protein context (NP_848547.4, residues 28-48): AGDHGSAGRG[Gly38Asp]CKEEINDPKE